The following is an entry in ClinVar:

ClinVar aggregate classification (germline): Uncertain significance (1 of 4 stars; one submission).

Conditions:
Microcephaly 16, primary, autosomal recessive (MCPH16). Identifiers: Orphanet 2512, MedGen C4225249, MONDO:0014730, OMIM 616681.

Submission:

Dr. Orhan Ocalgiray Molecular Biology-Biotechnology and Genetics Research Centre (MOBGAM), Istanbul Technical University
Classification: Uncertain significance for Microcephaly 16, primary, autosomal recessive. Review status: criteria provided, single submitter. Criteria: ACMG Guidelines, 2015. Collection method: research. Allele origin: germline. Inheritance: Autosomal recessive inheritance. Affected: yes. Observed: 1 variant allele, 1 homozygote.
Comment: The variant was initially considered a candidate because ANKLE2 is associated with primary microcephaly, and the affected individuals also present with microcephaly as part of an atypical MOPD syndrome. The variant segregates with the condition in this consanguineous family. However, the change is intronic, and the observed phenotype does not fully match the established ANKLE2-related diseases. Therefore, we classify this variant as a Variant of Uncertain Significance (VUS).

NC_000012.12:g.132766396A>G

Variant type: single nucleotide variant.
Genome position: GRCh38 VCF-style: chr12-132766396-A-G. GRCh37 (hg19) VCF-style: chr12-133342982-A-G.
Identifiers: ClinVar variation 4529476 (VCV004529476.1).
Genomic context (GRCh38, chr12:132,766,396, plus strand): 5'-GTGCCACCAGGACATGCTGCCTTTGGGGCTAGAGGTTCCCACCTCATCAGTAACGAGGGC[A>G]TCGCCAGCCCTCAGCTGCCTTGGGCGCCCACAGTCGGCTTTCACGCCTCCCAGAGGTTCC-3'